The following is an entry in ClinVar:

NM_014915.3(ANKRD26):c.116G>T (p.Gly39Val)

Genes: ANKRD26 (ankyrin repeat domain containing 26; minus strand), LOC130003554 (ATAC-STARR-seq lymphoblastoid silent region 2243; plus strand). Cytogenetic location: 10p12.1.
Variant type: single nucleotide variant.
Coding change: c.116G>T on transcript NM_014915.3 (MANE Select); coding-DNA position 116, G replaced by T.
Protein change: p.Gly39Val; replaces glycine 39 with valine.
Molecular consequence: missense variant.
Genome position (GRCh38, 1-based): chr10:27,100,211, C>A on the plus strand (G>T on the coding strand, the complement: ANKRD26 is on the minus strand). VCF-style: chr10-27100211-C-A. GRCh37 (hg19) VCF-style: chr10-27389140-C-A.
Other names: c.116G>T, p.Gly39Val (NM_001256053.2); short protein forms G39V.
Identifiers: ClinVar variation 3396531 (VCV003396531.1).
Genomic context (GRCh38, chr10:27,100,211, plus strand): 5'-ACATTACCCGCGCTGGCAGCTTTGTGGATCTTGCCGAGATCTCGGTCTCGGACGTGGTAG[C>A]CGGGCTGCGAGTAGGCGCCCTCCCCCGGCTCGCCCCCGCCTCCCGCGCTGCTCCTCTGCC-3'
Protein context (NP_055730.2, residues 29-49): EPGEGAYSQP[Gly39Val]YHVRDRDLGK

ClinVar aggregate classification (germline): Uncertain significance (1 of 4 stars; one submission).

Conditions:
Inborn genetic diseases. Identifiers: MedGen C0950123, MeSH D030342.

Submission:

Ambry Genetics
Classification: Uncertain significance for Inborn genetic diseases. Last evaluated: 2024-11-18. Review status: criteria provided, single submitter. Criteria: Ambry Variant Classification Scheme 2023. Collection method: clinical testing. Allele origin: germline.
Comment: The p.G39V variant (also known as c.116G>T), located in coding exon 1 of the ANKRD26 gene, results from a G to T substitution at nucleotide position 116. The glycine at codon 39 is replaced by valine, an amino acid with dissimilar properties. This amino acid position is conserved. In addition, this alteration is predicted to be tolerated by in silico analysis. Based on the available evidence, the clinical significance of this variant remains unclear.